The following is an entry in ClinVar:

ClinVar aggregate classification (germline): Likely benign (0 of 4 stars; one submission).

Conditions:
DYRK1B-related disorder. Also called: DYRK1B-related condition.

gnomAD v4.1: 111 of 1,613,608 alleles (0.0069%); highest among the groups gnomAD compares: Non-Finnish European, 0.0085%; no homozygotes.

Submission:

PreventionGenetics, part of Exact Sciences
Classification: Likely benign for DYRK1B-related condition. Last evaluated: 2024-05-10. Review status: no assertion criteria provided. Collection method: clinical testing. Allele origin: germline.
Comment: This variant is classified as likely benign based on ACMG/AMP sequence variant interpretation guidelines (Richards et al. 2015 PMID: 25741868, with internal and published modifications).

NM_004714.3(DYRK1B):c.999G>A (p.Pro333=)

Gene: DYRK1B (dual specificity tyrosine phosphorylation regulated kinase 1B; minus strand). Cytogenetic location: 19q13.2.
Variant type: single nucleotide variant.
Coding change: c.999G>A on transcript NM_004714.3 (MANE Select); coding-DNA position 999, G replaced by A.
Protein change: p.Pro333=; no amino-acid change (proline 333 retained).
Molecular consequence: synonymous variant.
Genome position (GRCh38, 1-based): chr19:39,827,381, C>T on the plus strand (G>A on the coding strand, the complement: DYRK1B is on the minus strand). VCF-style: chr19-39827381-C-T. GRCh37 (hg19) VCF-style: chr19-40318021-C-T.
Other names: c.999G>A, p.Pro333= (NM_006483.3, NM_006484.3).
Identifiers: ClinVar variation 3358328 (VCV003358328.1).